The following is an entry in ClinVar:

ClinVar aggregate classification (germline): Uncertain significance (1 of 4 stars; one submission).

gnomAD v4.1: 4 of 1,613,932 alleles (0.00025%); highest among the groups gnomAD compares: African/African-American, 0.0027%; no homozygotes.

Submission:

GeneDx
Classification: Uncertain significance. Last evaluated: 2024-09-24. Review status: criteria provided, single submitter. Criteria: GeneDx Variant Classification Process June 2021. Collection method: clinical testing. Allele origin: germline. Affected: yes.
Comment: Not observed at significant frequency in large population cohorts (gnomAD); In silico analysis supports that this missense variant has a deleterious effect on protein structure/function; Has not been previously published as pathogenic or benign to our knowledge

NM_000523.4(HOXD13):c.920G>A (p.Arg307Gln)

Gene: HOXD13 (homeobox D13; plus strand). Cytogenetic location: 2q31.1.
Variant type: single nucleotide variant.
Coding change: c.920G>A on transcript NM_000523.4 (MANE Select); coding-DNA position 920, G replaced by A.
Protein change: p.Arg307Gln; replaces arginine 307 with glutamine.
Molecular consequence: missense variant.
Genome position (GRCh38, 1-based): chr2:176,094,618, G>A. VCF-style: chr2-176094618-G-A. GRCh37 (hg19) VCF-style: chr2-176959346-G-A.
Other names: short protein forms R307Q.
Identifiers: ClinVar variation 3781018 (VCV003781018.1).
Genomic context (GRCh38, chr2:176,094,618, plus strand): 5'-AGCTTAAAGAACTGGAGAACGAGTATGCCATTAACAAATTCATTAACAAGGACAAGCGGC[G>A]GCGTATCTCGGCTGCTACGAACCTATCTGAGAGACAAGTGACCATTTGGTTTCAGAACCG-3'
Protein context (NP_000514.2, residues 297-317): INKFINKDKR[Arg307Gln]RISAATNLSE